The following is an entry in ClinVar:

NM_000384.3(APOB):c.904G>A (p.Gly302Ser)

Gene: APOB (apolipoprotein B; minus strand). Cytogenetic location: 2p24.1.
Variant type: single nucleotide variant.
Coding change: c.904G>A on transcript NM_000384.3 (MANE Select); coding-DNA position 904, G replaced by A.
Protein change: p.Gly302Ser; replaces glycine 302 with serine.
Molecular consequence: missense variant.
Genome position (GRCh38, 1-based): chr2:21,034,816, C>T on the plus strand (G>A on the coding strand, the complement: APOB is on the minus strand). VCF-style: chr2-21034816-C-T. GRCh37 (hg19) VCF-style: chr2-21257688-C-T.
Other names: short protein forms G302S.
Identifiers: ClinVar variation 4862293 (VCV004862293.1).

ClinVar aggregate classification (germline): Uncertain significance (1 of 4 stars; one submission).

Conditions:
Cardiovascular phenotype. Identifiers: MedGen CN230736.

Submission:

Ambry Genetics
Classification: Uncertain significance for Cardiovascular phenotype. Last evaluated: 2026-03-24. Review status: criteria provided, single submitter. Criteria: Ambry Variant Classification Scheme 2023. Collection method: clinical testing. Allele origin: germline.
Comment: The p.G302S variant (also known as c.904G>A), located in coding exon 8 of the APOB gene, results from a G to A substitution at nucleotide position 904. The glycine at codon 302 is replaced by serine, an amino acid with similar properties. However, this change occurs in the last base pair of coding exon 8, which makes it likely to have some effect on normal mRNA splicing. This variant was detected in the heterozygous state in an individual with features consistent hypobetalipoproteinemia; however, a second variant was not reported (Zhong S et al. J Biol Chem, 2010 Feb;285:6453-64). Functional studies suggest this variant may reduce hepatic protein secretion; however, additional evidence is needed to confirm this finding (Zhong S et al. J Biol Chem, 2010 Feb;285:6453-64). Note, this variant is also referred to as p.G275S in the literature. This nucleotide position is well conserved in available vertebrate species. This amino acid position is well conserved in available vertebrate species. In silico splice site analysis predicts that this alteration may weaken the native splice donor site. In addition, as a missense substitution this is predicted to be tolerated by in silico analysis. Based on the available evidence, the clinical significance of this variant remains unclear.

Literature cited by the submitters: PubMed 20032471.